The following is an entry in ClinVar:

ClinVar aggregate classification (germline): Uncertain significance (1 of 4 stars; one submission).

Submission:

Labcorp Genetics (formerly Invitae), Labcorp
Classification: Uncertain significance. Last evaluated: 2025-11-03. Review status: criteria provided, single submitter. Criteria: Invitae Variant Classification Sherloc (09022015). Collection method: clinical testing. Allele origin: germline.
Comment: This sequence change replaces methionine, which is neutral and non-polar, with arginine, which is basic and polar, at codon 825 of the SON protein (p.Met825Arg). This variant is not present in population databases (gnomAD no frequency). This variant has not been reported in the literature in individuals affected with SON-related conditions. An algorithm developed to predict the effect of missense changes on protein structure and function (PolyPhen-2) suggests that this variant is likely to be disruptive. In summary, the available evidence is currently insufficient to determine the role of this variant in disease. Therefore, it has been classified as a Variant of Uncertain Significance.

NM_138927.4(SON):c.2474T>G (p.Met825Arg)

Gene: SON (SON DNA and RNA binding protein; plus strand). Cytogenetic location: 21q22.11.
Variant type: single nucleotide variant.
Coding change: c.2474T>G on transcript NM_138927.4 (MANE Select); coding-DNA position 2474, T replaced by G.
Protein change: p.Met825Arg; replaces methionine 825 with arginine.
Molecular consequence: missense variant. On other transcripts: non-coding transcript variant (1), intron variant (1).
Genome position (GRCh38, 1-based): chr21:33,551,705, T>G. VCF-style: chr21-33551705-T-G. GRCh37 (hg19) VCF-style: chr21-34924011-T-G.
Other names: c.2474T>G, p.Met825Arg (NM_001291411.2, NM_032195.3); c.244+5326T>G (NM_001291412.3); short protein forms M825R.
Identifiers: ClinVar variation 4730371 (VCV004730371.1).